The following is an entry in ClinVar:

NM_001854.4(COL11A1):c.2408A>C (p.Gln803Pro)

Gene: COL11A1 (collagen type XI alpha 1 chain; minus strand). Cytogenetic location: 1p21.1.
Variant type: single nucleotide variant.
Coding change: c.2408A>C on transcript NM_001854.4 (MANE Select); coding-DNA position 2408, A replaced by C.
Protein change: p.Gln803Pro; replaces glutamine 803 with proline.
Molecular consequence: missense variant. On other transcripts: non-coding transcript variant (1).
Genome position (GRCh38, 1-based): chr1:102,987,727, T>G on the plus strand (A>C on the coding strand, the complement: COL11A1 is on the minus strand). VCF-style: chr1-102987727-T-G. GRCh37 (hg19) VCF-style: chr1-103453283-T-G.
Other names: c.2291A>C, p.Gln764Pro (NM_001190709.2); c.2444A>C, p.Gln815Pro (NM_080629.3); c.2060A>C, p.Gln687Pro (NM_080630.4); short protein forms Q687P, Q764P, Q815P, Q803P.
Identifiers: ClinVar variation 3633577 (VCV003633577.2).

ClinVar aggregate classification (germline): Uncertain significance (1 of 4 stars; one submission).

gnomAD v4.1: 1 of 1,613,390 alleles (0.000062%); no homozygotes.

Submission:

Labcorp Genetics (formerly Invitae), Labcorp
Classification: Uncertain significance. Last evaluated: 2024-04-25. Review status: criteria provided, single submitter. Criteria: Invitae Variant Classification Sherloc (09022015). Collection method: clinical testing. Allele origin: germline.
Comment: This sequence change replaces glutamine, which is neutral and polar, with proline, which is neutral and non-polar, at codon 803 of the COL11A1 protein (p.Gln803Pro). This variant is not present in population databases (gnomAD no frequency). This variant has not been reported in the literature in individuals affected with COL11A1-related conditions. Advanced modeling of protein sequence and biophysical properties (such as structural, functional, and spatial information, amino acid conservation, physicochemical variation, residue mobility, and thermodynamic stability) performed at Invitae indicates that this missense variant is not expected to disrupt COL11A1 protein function with a negative predictive value of 95%. In summary, the available evidence is currently insufficient to determine the role of this variant in disease. Therefore, it has been classified as a Variant of Uncertain Significance.